The following is an entry in ClinVar:

ClinVar aggregate classification (germline): Conflicting classifications of pathogenicity. Review status: criteria provided, conflicting classifications (1 of 4 stars). 3 submissions from 3 submitters: Uncertain significance (1); Benign (2). Last evaluated 2024-02-05.

Conditions:
Inborn genetic diseases. Identifiers: MedGen C0950123, MeSH D030342.
White sponge nevus 1. Also called: LEUKOKERATOSIS, HEREDITARY MUCOSAL. Identifiers: MedGen C4011926, MONDO:0008676, OMIM 193900.

Allele frequency attached by ClinVar (database versions not stated): 1000 Genomes Project 30x 0.00016; ESP Exome Variant Server 0.00016; 1000 Genomes Project 0.00020; gnomAD exomes 0.00020; TOPMed 0.00020; ExAC 0.00021; gnomAD 0.00024 and 0.00029.
gnomAD v4.1: 310 of 1,614,162 alleles (0.019%); highest among the groups gnomAD compares: Middle Eastern, 0.28%; no homozygotes.

Submissions (3):

Ambry Genetics
Classification: Uncertain significance for Inborn genetic diseases. Last evaluated: 2024-02-05. Review status: criteria provided, single submitter. Criteria: Ambry Variant Classification Scheme 2023. Collection method: clinical testing. Allele origin: germline.

Illumina Laboratory Services, Illumina
Classification: Benign for White sponge nevus 1. Last evaluated: 2018-01-12. Review status: criteria provided, single submitter. Criteria: ICSL Variant Classification Criteria 13 December 2019. Collection method: clinical testing. Allele origin: germline.
Comment: This variant was observed in the ICSL laboratory as part of a predisposition screen in an ostensibly healthy population. It had not been previously curated by ICSL or reported in the Human Gene Mutation Database (HGMD: prior to June 1st, 2018), and was therefore a candidate for classification through an automated scoring system. Utilizing variant allele frequency, disease prevalence and penetrance estimates, and inheritance mode, an automated score was calculated to assess if this variant is too frequent to cause the disease. Based on the score and internal cut-off values, a variant classified as benign is not then subjected to further curation. The score for this variant resulted in a classification of benign for this disease.

Breakthrough Genomics
Classification: Benign. Review status: criteria provided, single submitter. Criteria: ACMG Guidelines, 2015. Collection method: not provided. Allele origin: germline. Inheritance: Autosomal dominant inheritance. Affected: yes.

NM_002272.4(KRT4):c.1493T>C (p.Phe498Ser)

Gene: KRT4 (keratin 4; minus strand). Cytogenetic location: 12q13.13.
Variant type: single nucleotide variant.
Coding change: c.1493T>C on transcript NM_002272.4 (MANE Select); coding-DNA position 1493, T replaced by C.
Protein change: p.Phe498Ser; replaces phenylalanine 498 with serine.
Molecular consequence: missense variant.
Genome position (GRCh38, 1-based): chr12:52,807,139, A>G on the plus strand (T>C on the coding strand, the complement: KRT4 is on the minus strand). VCF-style: chr12-52807139-A-G. GRCh37 (hg19) VCF-style: chr12-53200923-A-G.
Other names: short protein forms F498S.
Identifiers: ClinVar variation 309668 (VCV000309668.8), dbSNP rs377399080, ClinGen allele CA6588365.